The following is an entry in ClinVar:

NC_000017.11:g.10639475del

Gene: MYH3 (myosin heavy chain 3; minus strand). Cytogenetic location: 17p13.1.
Variant type: Deletion.
Genome position: GRCh38 VCF-style: chr17-10639473-AC-A. GRCh37 (hg19) VCF-style: chr17-10542790-AC-A.
Identifiers: ClinVar variation 2200781 (VCV002200781.2), dbSNP rs2074248065, ClinGen allele CA2247333064.
Genomic context (GRCh38, chr17:10,639,473, plus strand): 5'-TCTCTGGTTAACTTTGCAATTGTTTCATCTAACCCAGAGAGTTCCTCAGTAAGGTTTTTA[AC>A]CTAAGAAGAATTCGCAAGCAATTATAAGCTTAAAGTTTAGTTTGCAATGACTATATCAAG-3'

ClinVar aggregate classification (germline): Pathogenic (1 of 4 stars; one submission).

Submission:

Labcorp Genetics (formerly Invitae), Labcorp
Classification: Pathogenic. Last evaluated: 2022-06-30. Review status: criteria provided, single submitter. Criteria: Invitae Variant Classification Sherloc (09022015). Collection method: clinical testing. Allele origin: germline.
Comment: This sequence change creates a premature translational stop signal (p.Val976Leufs*11) in the MYH3 gene. It is expected to result in an absent or disrupted protein product. Loss-of-function variants in MYH3 are known to be pathogenic (PMID: 29805041, 30008475). This variant is not present in population databases (gnomAD no frequency). This variant has not been reported in the literature in individuals affected with MYH3-related conditions. Algorithms developed to predict the effect of sequence changes on RNA splicing suggest that this variant may disrupt the consensus splice site. For these reasons, this variant has been classified as Pathogenic.

Literature cited by the submitters: PubMed 29805041; PubMed 30008475.